The following is an entry in ClinVar:

ClinVar aggregate classification (germline): Uncertain significance (1 of 4 stars; one submission).

Conditions:
Developmental and epileptic encephalopathy, 31A. Also called: Epileptic encephalopathy, early infantile, 31; Developmental and epileptic encephalopathy, 31. Identifiers: Orphanet 2382, MedGen C4225357, MONDO:0014598, OMIM 616346.

Allele frequency attached by ClinVar (database versions not stated): TOPMed 0.00001.

Submission:

Labcorp Genetics (formerly Invitae), Labcorp
Classification: Uncertain significance for Developmental and epileptic encephalopathy, 31A. Last evaluated: 2025-03-20. Review status: criteria provided, single submitter. Criteria: Invitae Variant Classification Sherloc (09022015). Collection method: clinical testing. Allele origin: germline.
Comment: This sequence change replaces valine, which is neutral and non-polar, with alanine, which is neutral and non-polar, at codon 13 of the DNM1 protein (p.Val13Ala). This variant is not present in population databases (gnomAD no frequency). This variant has not been reported in the literature in individuals affected with DNM1-related conditions. ClinVar contains an entry for this variant (Variation ID: 1507649). Invitae Evidence Modeling of protein sequence and biophysical properties (such as structural, functional, and spatial information, amino acid conservation, physicochemical variation, residue mobility, and thermodynamic stability) indicates that this missense variant is expected to disrupt DNM1 protein function with a positive predictive value of 80%. In summary, the available evidence is currently insufficient to determine the role of this variant in disease. Therefore, it has been classified as a Variant of Uncertain Significance.

NM_004408.4(DNM1):c.38T>C (p.Val13Ala)

Genes: CIZ1 (CDKN1A interacting zinc finger protein 1; minus strand), DNM1 (dynamin 1; plus strand). Cytogenetic location: 9q34.11.
Variant type: single nucleotide variant.
Coding change: c.38T>C on transcript NM_004408.4 (MANE Select); coding-DNA position 38, T replaced by C.
Protein change: p.Val13Ala; replaces valine 13 with alanine.
Molecular consequence: missense variant. On other transcripts: intron variant (2).
Genome position (GRCh38, 1-based): chr9:128,203,508, T>C. VCF-style: chr9-128203508-T-C. GRCh37 (hg19) VCF-style: chr9-130965787-T-C.
Other names: c.38T>C, p.Val13Ala (NM_001005336.3, NM_001288737.2, NM_001288738.2 and 2 more transcripts); c.-6+678A>G (NM_001131015.2, NM_012127.3); short protein forms V13A.
Identifiers: ClinVar variation 1507649 (VCV001507649.8), dbSNP rs969698049, ClinGen allele CA200334489.